The following is an entry in ClinVar:

ClinVar aggregate classification (germline): Uncertain significance. Review status: criteria provided, multiple submitters, no conflicts (2 of 4 stars). 2 submissions from 2 submitters: Uncertain significance (2). Last evaluated 2025-06-06.

gnomAD v4.1: 21 of 1,613,718 alleles (0.0013%); highest among the groups gnomAD compares: Non-Finnish European, 0.0016%; no homozygotes.

Submissions (2):

Ambry Genetics
Classification: Uncertain significance. Last evaluated: 2025-06-06. Review status: criteria provided, single submitter. Criteria: Ambry Variant Classification Scheme 2023. Collection method: clinical testing. Allele origin: germline.

GeneDx
Classification: Uncertain significance. Last evaluated: 2024-09-26. Review status: criteria provided, single submitter. Criteria: GeneDx Variant Classification Process June 2021. Collection method: clinical testing. Allele origin: germline. Affected: yes.
Comment: Not observed at significant frequency in large population cohorts (gnomAD); In silico analysis supports that this missense variant has a deleterious effect on protein structure/function; Has not been previously published as pathogenic or benign to our knowledge; Variants in candidate genes are classified as variants of uncertain significance in accordance with ACMG guidelines (PMID: 25741868)

NM_024721.5(ZFHX4):c.10397T>C (p.Leu3466Pro)

Gene: ZFHX4 (zinc finger homeobox 4; plus strand). Cytogenetic location: 8q21.13.
Variant type: single nucleotide variant.
Coding change: c.10397T>C on transcript NM_024721.5 (MANE Select); coding-DNA position 10397, T replaced by C.
Protein change: p.Leu3466Pro; replaces leucine 3466 with proline.
Molecular consequence: missense variant.
Genome position (GRCh38, 1-based): chr8:76,864,111, T>C. VCF-style: chr8-76864111-T-C. GRCh37 (hg19) VCF-style: chr8-77776347-T-C.
Other names: c.10319T>C, p.Leu3440Pro (NM_001410934.1); short protein forms L3440P, L3466P.
Identifiers: ClinVar variation 3900242 (VCV003900242.2).